The following is an entry in ClinVar:

NM_000361.3(THBD):c.1361T>C (p.Val454Ala)

Gene: THBD (thrombomodulin; minus strand). Cytogenetic location: 20p11.21.
Variant type: single nucleotide variant.
Coding change: c.1361T>C on transcript NM_000361.3 (MANE Select); coding-DNA position 1361, T replaced by C.
Protein change: p.Val454Ala; replaces valine 454 with alanine.
Molecular consequence: missense variant.
Genome position (GRCh38, 1-based): chr20:23,048,144, A>G on the plus strand (T>C on the coding strand, the complement: THBD is on the minus strand). VCF-style: chr20-23048144-A-G. GRCh37 (hg19) VCF-style: chr20-23028781-A-G.
Other names: c.1361T>C (NM_000361.2); short protein forms V454A.
Identifiers: ClinVar variation 1553770 (VCV001553770.17), dbSNP rs147377392, ClinGen allele CA9787575.

ClinVar aggregate classification (germline): Conflicting classifications of pathogenicity. Review status: criteria provided, conflicting classifications (1 of 4 stars). 5 submissions from 5 submitters: Uncertain significance (1); Likely benign (3). 1 of the submissions does not count toward it. Last evaluated 2025-12-01.

Conditions:
THBD-related disorder. Also called: THBD-related condition.
Atypical hemolytic-uremic syndrome with thrombomodulin anomaly. Also called: HEMOLYTIC UREMIC SYNDROME, ATYPICAL, SUSCEPTIBILITY TO, 6; AHUS, SUSCEPTIBILITY TO, 6. Identifiers: MedGen C2752036, MONDO:0013044, OMIM 612926. Disease mechanism: gain of function.
Thrombomodulin-related bleeding disorder (THPH12). Also called: Thrombophilia due to thrombomodulin defect. Identifiers: Orphanet 436169, MedGen C3280976, MONDO:0013775, OMIM 614486.
Inborn genetic diseases. Identifiers: MedGen C0950123, MeSH D030342.

Allele frequency attached by ClinVar (database versions not stated): gnomAD exomes 0.00010; ExAC 0.00012; gnomAD 0.00027 and 0.00029; ESP Exome Variant Server 0.00038; TOPMed 0.00046; 1000 Genomes Project 0.00060; 1000 Genomes Project 30x 0.00062.

Submissions (5):

CeGaT Center for Human Genetics Tuebingen
Classification: Likely benign. Last evaluated: 2025-12-01. Review status: criteria provided, single submitter. Criteria: CeGaT Center For Human Genetics Tuebingen Variant Classification Criteria Version 2. Collection method: clinical testing. Allele origin: germline. Affected: yes. Observed: 1 variant allele.
Comment: THBD: BP4, BS1

Ambry Genetics
Classification: Likely benign for Inborn genetic diseases. Last evaluated: 2025-08-27. Review status: criteria provided, single submitter. Criteria: Ambry Variant Classification Scheme 2023. Collection method: clinical testing. Allele origin: germline.

Labcorp Genetics (formerly Invitae), Labcorp
Classification: Likely benign. Last evaluated: 2025-06-11. Review status: criteria provided, single submitter. Criteria: Invitae Variant Classification Sherloc (09022015). Collection method: clinical testing. Allele origin: germline.

Center for Genomics, Ann and Robert H. Lurie Children's Hospital of Chicago
Classification: Uncertain significance for Thrombomodulin-related bleeding disorder; Atypical hemolytic-uremic syndrome with thrombomodulin anomaly. Review status: criteria provided, single submitter. Criteria: ACMG Guidelines, 2015. Collection method: clinical testing. Allele origin: germline.
Comment: This variant has not been reported in the literature but is present in the Genome Aggregation Database (Highest reported MAF 0.09% (40/41426). This variant is present in ClinVar (Variation ID:1553770). This variant amino acid Alanine (Ala) is present in several species including multiple mammals and is not well conserved among evolutionarily distant species; this suggests that this variant may not impact the protein. Additional computational prediction tools do not suggest an impact. In summary, data on this variant is insufficient for disease classification. Therefore, the clinical significance of this variant is uncertain.

PreventionGenetics, part of Exact Sciences
Classification: Likely benign for THBD-related condition. Last evaluated: 2023-09-21. Review status: no assertion criteria provided. Collection method: clinical testing. Allele origin: germline. Not counted in ClinVar's aggregate classification.
Comment: This variant is classified as likely benign based on ACMG/AMP sequence variant interpretation guidelines (Richards et al. 2015 PMID: 25741868, with internal and published modifications).